The following is an entry in ClinVar:

NM_000219.6(KCNE1):c.42C>G (p.Thr14=)

Gene: KCNE1 (potassium voltage-gated channel subfamily E regulatory subunit 1; minus strand). Cytogenetic location: 21q22.12.
Variant type: single nucleotide variant.
Coding change: c.42C>G on transcript NM_000219.6 (MANE Select); coding-DNA position 42, C replaced by G.
Protein change: p.Thr14=; no amino-acid change (threonine 14 retained).
Molecular consequence: synonymous variant.
Genome position (GRCh38, 1-based): chr21:34,449,593, G>C on the plus strand (C>G on the coding strand, the complement: KCNE1 is on the minus strand). VCF-style: chr21-34449593-G-C. GRCh37 (hg19) VCF-style: chr21-35821891-G-C.
Other names: c.42C>G, p.Thr14= (NM_001127668.4, NM_001127669.4, NM_001127670.4 and 4 more transcripts).
Identifiers: ClinVar variation 3373890 (VCV003373890.2).
Genomic context (GRCh38, chr21:34,449,593, plus strand): 5'-GGACCTGCGGGCCAGGCCCGACATGTTGCCACCCTGCTGAACTGTCTCCTGCCACAGCTT[G>C]GTCAGAAAGGGCGTCACCGCTGTGGTGTTAGACAGGATCATCCTGGGCATTAAGGTTCCA-3'
Protein context (NP_000210.2, residues 4-24): SNTTAVTPFL[Thr14=]KLWQETVQQG

Conditions:
Long QT syndrome 5 (LQT5). Identifiers: Orphanet 101016, Orphanet 768, MedGen C1867904, MONDO:0013372, OMIM 613695.

Submission:

Roden Lab, Vanderbilt University Medical Center
No classification provided (evidence only). Condition: Long QT syndrome 5. Review status: no classification provided. Collection method: in vitro. Allele origin: not applicable. Functional consequence: Effect on ion channel function.
ClinVar note: "not provided" was previously submitted as the classification for the variant. However, the classification appeared to be based only on an observation of functional data so it was converted to no classification on 2025-07-30.